The following is an entry in ClinVar:

NM_001042492.3(NF1):c.5835_5838del (p.Cys1945fs)

Gene: NF1 (neurofibromin 1; plus strand). Cytogenetic location: 17q11.2.
Variant type: Microsatellite.
Coding change: c.5835_5838del on transcript NM_001042492.3 (MANE Select); coding-DNA positions 5835 to 5838, 4 bases deleted (TTTG; older notation c.5835_5838delTTTG).
Protein change: p.Cys1945fs; shifts the reading frame from cysteine 1945.
Molecular consequence: frameshift variant.
Genome position (GRCh38, 1-based): chr17:31,334,860-31,334,863, TTTG deleted; deleting any 4 consecutive bases within chr17:31,334,856-31,334,863 gives the same sequence; the c. name uses the placement nearest the transcript's 3' end. VCF-style (leftmost placement, unchanged base first): chr17-31334855-CTTTG-C. GRCh37 (hg19) VCF-style: chr17-29661873-CTTTG-C.
Other names: c.5768_5771TTTG[1], p.Cys1924Trpfs (NM_000267.4); short protein forms C1945fs, C1924fs.
Identifiers: ClinVar variation 2152280 (VCV002152280.5), dbSNP rs2508736213, ClinGen allele CA645596494.
Genomic context (GRCh38, chr17:31,334,855, plus strand): 5'-ATTTTCATTGACCATCACATGCTAATAGTGTATTTTTTTCCAGGTATTGAATTGAAACAC[CTTTG>C]TTTGGAATACATGACTCCATGGCTGTCAAATCTAGTTCGTTTTTGCAAGCATAATGATGA-3'

ClinVar aggregate classification (germline): Pathogenic. Review status: criteria provided, multiple submitters, no conflicts (2 of 4 stars). 2 submissions from 2 submitters: Pathogenic (2). Last evaluated 2025-10-26.

Conditions:
NF1-related disorder. Also called: NF1-related condition. Identifiers: MedGen CN379171.
Neurofibromatosis, type 1 (NF1). Also called: VON RECKLINGHAUSEN DISEASE; NEUROFIBROMATOSIS, TYPE I, SOMATIC; Peripheral type neurofibromatosis; Neurofibromatosis, type I. Identifiers: Orphanet 636, MedGen C0027831, MONDO:0018975, OMIM 162200. Disease mechanism: loss of function.

Submissions (2):

Labcorp Genetics (formerly Invitae), Labcorp
Classification: Pathogenic for Neurofibromatosis, type 1. Last evaluated: 2025-10-26. Review status: criteria provided, single submitter. Criteria: Invitae Variant Classification Sherloc (09022015). Collection method: clinical testing. Allele origin: germline.
Comment: This sequence change creates a premature translational stop signal (p.Cys1924Trpfs*4) in the NF1 gene. It is expected to result in an absent or disrupted protein product. Loss-of-function variants in NF1 are known to be pathogenic (PMID: 10712197, 23913538). This variant is not present in population databases (gnomAD no frequency). This variant has not been reported in the literature in individuals affected with NF1-related conditions. ClinVar contains an entry for this variant (Variation ID: 2152280). For these reasons, this variant has been classified as Pathogenic.

Blueprint Genetics
Classification: Pathogenic for NF1-related disorders. Last evaluated: 2022-01-17. Review status: criteria provided, single submitter. Criteria: ACMG Guidelines, 2015. Collection method: clinical testing. Allele origin: germline. Affected: yes. Observed: 1 variant allele.

Literature cited by the submitters: PubMed 10712197 (cited by Labcorp Genetics (formerly Invitae), Labcorp); PubMed 23913538 (cited by Labcorp Genetics (formerly Invitae), Labcorp).